The following is an entry in ClinVar:

NM_001369268.1(ACAN):c.72C>A (p.Asp24Glu)

Gene: ACAN (aggrecan; plus strand). Cytogenetic location: 15q26.1.
Variant type: single nucleotide variant.
Coding change: c.72C>A on transcript NM_001369268.1 (MANE Select); coding-DNA position 72, C replaced by A.
Protein change: p.Asp24Glu; replaces aspartic acid 24 with glutamic acid.
Molecular consequence: missense variant.
Genome position (GRCh38, 1-based): chr15:88,838,664, C>A. VCF-style: chr15-88838664-C-A. GRCh37 (hg19) VCF-style: chr15-89381895-C-A.
Other names: c.72C>A, p.Asp24Glu (NM_001135.4, NM_013227.4); c.72C>A (NM_013227.3); short protein forms D24E.
Identifiers: ClinVar variation 1528261 (VCV001528261.11), dbSNP rs571206900, ClinGen allele CA7719136.
Genomic context (GRCh38, chr15:88,838,664, plus strand): 5'-CGGGGTGGTCCTCTCTAGGCACTAACAGGTCTCTCTTCTACCCCACCTCTCCCACACAGA[C>A]CATGACAACTCGCTGAGTGTCAGCATCCCCCAACCGTCCCCGCTGAGGGTCCTCCTGGGG-3'
Protein context (NP_001356197.1, residues 14-34): ITAAVTVETS[Asp24Glu]HDNSLSVSIP

ClinVar aggregate classification (germline): Conflicting classifications of pathogenicity. Review status: criteria provided, conflicting classifications (1 of 4 stars). 3 submissions from 3 submitters: Uncertain significance (1); Likely benign (1). 1 of the submissions does not count toward it. Last evaluated 2025-11-19.

Conditions:
ACAN-related disorder. Also called: ACAN-related disorders; ACAN-related condition.
Inborn genetic diseases. Identifiers: MedGen C0950123, MeSH D030342.

Allele frequency attached by ClinVar (database versions not stated): gnomAD 0.00003; gnomAD exomes 0.00015 and 0.00035; TOPMed 0.00015; 1000 Genomes Project 30x 0.00016; 1000 Genomes Project 0.00020; ExAC 0.00030.
gnomAD v4.1: 87 of 1,578,298 alleles (0.0055%); highest among the groups gnomAD compares: Admixed American, 0.15%; no homozygotes.

Submissions (3):

Labcorp Genetics (formerly Invitae), Labcorp
Classification: Likely benign. Last evaluated: 2025-11-19. Review status: criteria provided, single submitter. Criteria: Invitae Variant Classification Sherloc (09022015). Collection method: clinical testing. Allele origin: germline.

Ambry Genetics
Classification: Uncertain significance for Inborn genetic diseases. Last evaluated: 2022-05-18. Review status: criteria provided, single submitter. Criteria: Ambry Variant Classification Scheme 2023. Collection method: clinical testing. Allele origin: germline.

PreventionGenetics, part of Exact Sciences
Classification: Likely benign for ACAN-related condition. Last evaluated: 2022-08-10. Review status: no assertion criteria provided. Collection method: clinical testing. Allele origin: germline. Not counted in ClinVar's aggregate classification.
Comment: This variant is classified as likely benign based on ACMG/AMP sequence variant interpretation guidelines (Richards et al. 2015 PMID: 25741868, with internal and published modifications).